The following is an entry in ClinVar:

ClinVar aggregate classification (germline): Uncertain significance (1 of 4 stars; one submission).

Conditions:
Wilms tumor 1 (WT1). Also called: Wilms tumor, somatic. Identifiers: Orphanet 654, MedGen CN033288, MONDO:0008679, OMIM 194070.
11p partial monosomy syndrome (WAGR). Also called: WAGR Spectrum Disorder; WAGR syndrome; CHROMOSOME 11p13 DELETION SYNDROME; WAGR Complex. Identifiers: Orphanet 893, MedGen C0206115, MONDO:0008681, OMIM 194072.
Drash syndrome (DDS). Also called: NEPHROPATHY, WILMS TUMOR, AND GENITAL ANOMALIES; WILMS TUMOR AND PSEUDO- OR TRUE HERMAPHRODITISM. Identifiers: Orphanet 220, MedGen C0950121, MONDO:0008682, OMIM 194080.
Frasier syndrome. Identifiers: Orphanet 347, MedGen C0950122, MeSH D052159, MONDO:0007635, OMIM 136680.

Submission:

Labcorp Genetics (formerly Invitae), Labcorp
Classification: Uncertain significance for Wilms tumor 1; Drash syndrome; 11p partial monosomy syndrome; Frasier syndrome. Last evaluated: 2022-02-19. Review status: criteria provided, single submitter. Criteria: Invitae Variant Classification Sherloc (09022015). Collection method: clinical testing. Allele origin: germline.
Comment: This sequence change replaces arginine, which is basic and polar, with proline, which is neutral and non-polar, at codon 19 of the WT1 protein (p.Arg19Pro). In summary, the available evidence is currently insufficient to determine the role of this variant in disease. Therefore, it has been classified as a Variant of Uncertain Significance. Algorithms developed to predict the effect of missense changes on protein structure and function are either unavailable or do not agree on the potential impact of this missense change (SIFT: "Deleterious"; PolyPhen-2: "Benign"; Align-GVGD: "Class C0"). This variant has not been reported in the literature in individuals affected with WT1-related conditions. This variant is not present in population databases (gnomAD no frequency).

NM_024426.6(WT1):c.71G>C (p.Arg24Pro)

Genes: WT1 (WT1 transcription factor; minus strand), LOC107982234 (WT1/WT1-AS bi-directional promoter region; plus strand). Cytogenetic location: 11p13.
Variant type: single nucleotide variant.
Coding change: c.71G>C on transcript NM_024426.6 (MANE Select); coding-DNA position 71, G replaced by C.
Protein change: p.Arg24Pro; replaces arginine 24 with proline.
Molecular consequence: missense variant. On other transcripts: non-coding transcript variant (1).
Genome position (GRCh38, 1-based): chr11:32,435,290, C>G on the plus strand (G>C on the coding strand, the complement: WT1 is on the minus strand). VCF-style: chr11-32435290-C-G. GRCh37 (hg19) VCF-style: chr11-32456836-C-G.
Other names: c.71G>C, p.Arg24Pro (NM_000378.6, NM_001407044.1, NM_001407045.1 and 6 more transcripts); c.56G>C, p.Arg19Pro (NM_024425.2); short protein forms R19P, R24P.
Identifiers: ClinVar variation 2099628 (VCV002099628.4), dbSNP rs1330792627, ClinGen allele CA379966446.